The following is an entry in ClinVar:

NM_005591.4(MRE11):c.254G>C (p.Gly85Ala)

Gene: MRE11 (MRE11 double strand break repair nuclease; minus strand). Cytogenetic location: 11q21.
Variant type: single nucleotide variant.
Coding change: c.254G>C on transcript NM_005591.4 (MANE Select); coding-DNA position 254, G replaced by C.
Protein change: p.Gly85Ala; replaces glycine 85 with alanine.
Molecular consequence: missense variant.
Genome position (GRCh38, 1-based): chr11:94,485,984, C>G on the plus strand (G>C on the coding strand, the complement: MRE11 is on the minus strand). VCF-style: chr11-94485984-C-G. GRCh37 (hg19) VCF-style: chr11-94219150-C-G.
Other names: c.254G>C, p.Gly85Ala (NM_001330347.2, NM_005590.4); short protein forms G85A.
Identifiers: ClinVar variation 2451369 (VCV002451369.2), dbSNP rs2496619662, ClinGen allele CA382379534.

ClinVar aggregate classification (germline): Uncertain significance (1 of 4 stars; one submission).

Conditions:
Hereditary cancer-predisposing syndrome. Also called: Neoplastic Syndromes, Hereditary; Tumor predisposition; Hereditary neoplastic syndrome; Hereditary Cancer Syndrome. Identifiers: Orphanet 140162, MedGen C0027672, MeSH D009386, MONDO:0015356.

Submission:

Ambry Genetics
Classification: Uncertain significance for Hereditary cancer-predisposing syndrome. Last evaluated: 2023-01-26. Review status: criteria provided, single submitter. Criteria: Ambry Variant Classification Scheme 2023. Collection method: clinical testing. Allele origin: germline.
Comment: The p.G85A variant (also known as c.254G>C), located in coding exon 3 of the MRE11A gene, results from a G to C substitution at nucleotide position 254. The glycine at codon 85 is replaced by alanine, an amino acid with similar properties. This amino acid position is conserved. In addition, this alteration is predicted to be deleterious by in silico analysis. Since supporting evidence is limited at this time, the clinical significance of this alteration remains unclear.